The following is an entry in ClinVar:

NM_182641.4(BPTF):c.2482dup (p.Glu828fs)

Gene: BPTF (bromodomain PHD finger transcription factor; plus strand). Cytogenetic location: 17q24.2.
Variant type: Duplication.
Coding change: c.2482dup on transcript NM_182641.4 (MANE Select); coding-DNA position 2482, one base duplicated (G; older notation c.2482dupG).
Protein change: p.Glu828fs; shifts the reading frame from glutamic acid 828.
Molecular consequence: frameshift variant.
Genome position (GRCh38, 1-based): chr17:67,894,104, G duplicated; the last of 2 consecutive G bases (chr17:67,894,103-67,894,104); duplicating either gives the same sequence. VCF-style (leftmost placement, unchanged base first): chr17-67894102-T-TG. GRCh37 (hg19) VCF-style: chr17-65890218-T-TG.
Other names: c.2860dup, p.Glu954fs (NM_004459.7); short protein forms E828fs, E954fs.
Identifiers: ClinVar variation 431064 (VCV000431064.3), dbSNP rs1555639411, ClinGen allele CA658653845.

ClinVar aggregate classification (germline): Pathogenic. Review status: no assertion criteria provided (0 of 4 stars). 2 submissions from 2 submitters: Pathogenic (2). Last evaluated 2024-04-02.

Conditions:
Secondary microcephaly. Also called: Postnatal microcephaly. Identifiers: MedGen C0431352, HP:0005484.
Expressive language delay. Identifiers: MedGen C0454641, HP:0002474.
Global developmental delay (DD). Also called: Cognitive delay. Identifiers: MedGen C0557874, HP:0001263. Disease mechanism: loss of function.
Neurodevelopmental disorder with dysmorphic facies and distal limb anomalies. Identifiers: Orphanet 686482, MedGen C4540327, MONDO:0060596, OMIM 617755.

Submissions (2):

OMIM
Classification: Pathogenic for NEURODEVELOPMENTAL DISORDER WITH DYSMORPHIC FACIES AND DISTAL LIMB ANOMALIES. Last evaluated: 2024-04-02. Review status: no assertion criteria provided. Collection method: literature only. Allele origin: germline.

Baylor Genetics
Classification: Pathogenic for Secondary microcephaly; Expressive language delay; Global developmental delay. Last evaluated: 2017-07-03. Review status: no assertion criteria provided. Collection method: clinical testing. Allele origin: de novo. Inheritance: Autosomal dominant inheritance. Affected: yes. Observed: 1 variant allele, 1 heterozygote. Study: BPTF_variants.

Literature cited by the submitters: PubMed 28942966 (cited by OMIM and Baylor Genetics).